The following is an entry in ClinVar:

ClinVar aggregate classification (germline): Uncertain significance. Review status: criteria provided, single submitter (1 of 4 stars). 2 submissions from 2 submitters: Uncertain significance (1). 1 of the submissions does not count toward it. Last evaluated 2025-01-13.

Conditions:
Hereditary spastic paraplegia 31. Also called: SPASTIC PARAPLEGIA 31, AUTOSOMAL DOMINANT. Identifiers: Orphanet 101011, MedGen C1853247, MONDO:0012453, OMIM 610250.
REEP1-related disorder. Also called: REEP1-related condition.

Allele frequency attached by ClinVar (database versions not stated): gnomAD exomes below 0.00001; TOPMed below 0.00001; gnomAD 0.00001.
gnomAD v4.1: 3 of 1,601,916 alleles (0.00019%); highest among the groups gnomAD compares: South Asian, 0.0011%; no homozygotes.

Submissions (2):

Labcorp Genetics (formerly Invitae), Labcorp
Classification: Uncertain significance for Hereditary spastic paraplegia 31. Last evaluated: 2025-01-13. Review status: criteria provided, single submitter. Criteria: Invitae Variant Classification Sherloc (09022015). Collection method: clinical testing. Allele origin: germline.
Comment: This sequence change replaces serine, which is neutral and polar, with leucine, which is neutral and non-polar, at codon 145 of the REEP1 protein (p.Ser145Leu). This variant is not present in population databases (gnomAD no frequency). This variant has not been reported in the literature in individuals affected with REEP1-related conditions. ClinVar contains an entry for this variant (Variation ID: 3030789). An algorithm developed to predict the effect of missense changes on protein structure and function (PolyPhen-2) suggests that this variant is likely to be disruptive. In summary, the available evidence is currently insufficient to determine the role of this variant in disease. Therefore, it has been classified as a Variant of Uncertain Significance.

PreventionGenetics, part of Exact Sciences
Classification: Uncertain significance for REEP1-related condition. Last evaluated: 2023-11-16. Review status: no assertion criteria provided. Collection method: clinical testing. Allele origin: germline. Not counted in ClinVar's aggregate classification.
Comment: The REEP1 c.434C>T variant is predicted to result in the amino acid substitution p.Ser145Leu. To our knowledge, this variant has not been reported in the literature or in a large population database, indicating this variant is rare. At this time, the clinical significance of this variant is uncertain due to the absence of conclusive functional and genetic evidence.

NM_001371279.1(REEP1):c.434C>T (p.Ser145Leu)

Gene: REEP1 (receptor accessory protein 1; minus strand). Cytogenetic location: 2p11.2.
Variant type: single nucleotide variant.
Coding change: c.434C>T on transcript NM_001371279.1 (MANE Select); coding-DNA position 434, C replaced by T.
Protein change: p.Ser145Leu; replaces serine 145 with leucine.
Molecular consequence: missense variant. On other transcripts: intron variant (1).
Genome position (GRCh38, 1-based): chr2:86,232,786, G>A on the plus strand (C>T on the coding strand, the complement: REEP1 is on the minus strand). VCF-style: chr2-86232786-G-A. GRCh37 (hg19) VCF-style: chr2-86459909-G-A.
Other names: c.455C>T, p.Ser152Leu (NM_001164730.2); c.353C>T, p.Ser118Leu (NM_001164731.2); c.199C>T, p.Arg67Trp (NM_001164732.2); c.434C>T, p.Ser145Leu (NM_001410855.1, NM_001410856.1, NM_022912.3); c.418-15676C>T (NM_001371280.1); short protein forms R67W, S118L, S145L, S152L.
Identifiers: ClinVar variation 3030789 (VCV003030789.4), dbSNP rs1202869717, ClinGen allele CA347547635.